The following is an entry in ClinVar:

ClinVar aggregate classification (germline): Conflicting classifications of pathogenicity. Review status: criteria provided, conflicting classifications (1 of 4 stars). 3 submissions from 3 submitters: Uncertain significance (2); Likely benign (1). Last evaluated 2025-01-01.

Conditions:
Cardiovascular phenotype. Identifiers: MedGen CN230736.
Alagille syndrome due to a JAG1 point mutation. Also called: JAG1-Related Alagille Syndrome; HEPATIC DUCTULAR HYPOPLASIA, SYNDROMATIC; Alagille Syndrome 1. Identifiers: Orphanet 261619, Orphanet 52, MedGen C1956125, MONDO:0016862, OMIM 118450.

Allele frequency attached by ClinVar (database versions not stated): gnomAD exomes below 0.00001; gnomAD 0.00001; TOPMed 0.00001.
gnomAD v4.1: 4 of 1,613,844 alleles (0.00025%); highest among the groups gnomAD compares: Admixed American, 0.0033%; no homozygotes.

Submissions (3):

Ambry Genetics
Classification: Uncertain significance for Cardiovascular phenotype. Last evaluated: 2025-01-01. Review status: criteria provided, single submitter. Criteria: Ambry Variant Classification Scheme 2023. Collection method: clinical testing. Allele origin: germline.

GeneDx
Classification: Uncertain significance. Last evaluated: 2023-06-28. Review status: criteria provided, single submitter. Criteria: GeneDx Variant Classification Process June 2021. Collection method: clinical testing. Allele origin: germline. Affected: yes.
Comment: Not observed at significant frequency in large population cohorts (gnomAD); In silico analysis supports that this missense variant has a deleterious effect on protein structure/function; Has not been previously published as pathogenic or benign to our knowledge

Labcorp Genetics (formerly Invitae), Labcorp
Classification: Likely benign for Alagille syndrome due to a JAG1 point mutation. Last evaluated: 2022-08-22. Review status: criteria provided, single submitter. Criteria: Invitae Variant Classification Sherloc (09022015). Collection method: clinical testing. Allele origin: germline.

NM_000214.3(JAG1):c.2687G>T (p.Trp896Leu)

Gene: JAG1 (jagged canonical Notch ligand 1; minus strand). Cytogenetic location: 20p12.2.
Variant type: single nucleotide variant.
Coding change: c.2687G>T on transcript NM_000214.3 (MANE Select); coding-DNA position 2687, G replaced by T.
Protein change: p.Trp896Leu; replaces tryptophan 896 with leucine.
Molecular consequence: missense variant.
Genome position (GRCh38, 1-based): chr20:10,641,689, C>A on the plus strand (G>T on the coding strand, the complement: JAG1 is on the minus strand). VCF-style: chr20-10641689-C-A. GRCh37 (hg19) VCF-style: chr20-10622337-C-A.
Other names: c.2687G>T (NM_000214.2); short protein forms W896L.
Identifiers: ClinVar variation 1412754 (VCV001412754.8), dbSNP rs1227203387, ClinGen allele CA408245186.